The following is an entry in ClinVar:

ClinVar aggregate classification (germline): Uncertain significance (1 of 4 stars; one submission).

Conditions:
Gnathodiaphyseal dysplasia (GDD). Also called: GNATHODIAPHYSEAL SCLEROSIS; OSTEOGENESIS IMPERFECTA WITH UNUSUAL SKELETAL LESIONS. Identifiers: Orphanet 53697, MedGen C1833736, MONDO:0008151, OMIM 166260.
Autosomal recessive limb-girdle muscular dystrophy type 2L (LGMDR12). Also called: Limb-girdle muscular dystrophy, type 2L; MUSCULAR DYSTROPHY, LIMB-GIRDLE, AUTOSOMAL RECESSIVE 12; Limb-Girdle Muscular Dystrophy R12 Anoctamin-5-Related (LGMD-R12). Identifiers: Orphanet 206549, MedGen C1969785, MONDO:0012652, OMIM 611307.

Submission:

Labcorp Genetics (formerly Invitae), Labcorp
Classification: Uncertain significance for Autosomal recessive limb-girdle muscular dystrophy type 2L; Gnathodiaphyseal dysplasia. Last evaluated: 2024-07-27. Review status: criteria provided, single submitter. Criteria: Invitae Variant Classification Sherloc (09022015). Collection method: clinical testing. Allele origin: germline.
Comment: This sequence change replaces threonine, which is neutral and polar, with alanine, which is neutral and non-polar, at codon 467 of the ANO5 protein (p.Thr467Ala). This variant is not present in population databases (gnomAD no frequency). This variant has not been reported in the literature in individuals affected with ANO5-related conditions. Advanced modeling of protein sequence and biophysical properties (such as structural, functional, and spatial information, amino acid conservation, physicochemical variation, residue mobility, and thermodynamic stability) performed at Invitae indicates that this missense variant is not expected to disrupt ANO5 protein function with a negative predictive value of 95%. In summary, the available evidence is currently insufficient to determine the role of this variant in disease. Therefore, it has been classified as a Variant of Uncertain Significance.

NM_213599.3(ANO5):c.1399A>G (p.Thr467Ala)

Gene: ANO5 (anoctamin 5; plus strand). Cytogenetic location: 11p14.3.
Variant type: single nucleotide variant.
Coding change: c.1399A>G on transcript NM_213599.3 (MANE Select); coding-DNA position 1399, A replaced by G.
Protein change: p.Thr467Ala; replaces threonine 467 with alanine.
Molecular consequence: missense variant.
Genome position (GRCh38, 1-based): chr11:22,257,746, A>G. VCF-style: chr11-22257746-A-G. GRCh37 (hg19) VCF-style: chr11-22279292-A-G.
Other names: c.1396A>G, p.Thr466Ala (NM_001142649.2); c.1357A>G, p.Thr453Ala (NM_001410963.1); c.1354A>G, p.Thr452Ala (NM_001410964.1); short protein forms T452A, T453A, T466A, T467A.
Identifiers: ClinVar variation 3753733 (VCV003753733.2).